The following is an entry in ClinVar:

NM_001369369.1(FOXN1):c.1432C>T (p.His478Tyr)

Gene: FOXN1 (forkhead box N1; plus strand). Cytogenetic location: 17q11.2.
Variant type: single nucleotide variant.
Coding change: c.1432C>T on transcript NM_001369369.1 (MANE Select); coding-DNA position 1432, C replaced by T.
Protein change: p.His478Tyr; replaces histidine 478 with tyrosine.
Molecular consequence: missense variant.
Genome position (GRCh38, 1-based): chr17:28,535,003, C>T. VCF-style: chr17-28535003-C-T. GRCh37 (hg19) VCF-style: chr17-26862021-C-T.
Other names: c.1432C>T, p.His478Tyr (NM_003593.3); short protein forms H478Y.
Identifiers: ClinVar variation 2083272 (VCV002083272.4), dbSNP rs2508431037, ClinGen allele CA398326423.
Genomic context (GRCh38, chr17:28,535,003, plus strand): 5'-CTCTCACCAGGCCTGGCCCCTCCTGGACCCCCGCAGCCATTGTTCCCACAGCCGGACGGG[C>T]ACCTTGAGCTGCGGGCCCAGCCAGGCACCCCCCAGGACTCGCCTCTGCCTGCCCACACCC-3'
Protein context (NP_001356298.1, residues 468-488): PQPLFPQPDG[His478Tyr]LELRAQPGTP

ClinVar aggregate classification (germline): Uncertain significance (1 of 4 stars; one submission).

Conditions:
T-cell immunodeficiency, congenital alopecia, and nail dystrophy. Also called: Congenital alopecia and nail dystrophy associated with severe functional T-cell immunodeficiency; Pignata Guarino syndrome. Identifiers: Orphanet 169095, MedGen C1866426, MONDO:0011132, OMIM 601705.

gnomAD v4.1: 1 of 1,613,950 alleles (0.000062%); highest among the groups gnomAD compares: East Asian, 0.0022%; no homozygotes.

Submission:

Labcorp Genetics (formerly Invitae), Labcorp
Classification: Uncertain significance for T-cell immunodeficiency, congenital alopecia, and nail dystrophy. Last evaluated: 2022-01-15. Review status: criteria provided, single submitter. Criteria: Invitae Variant Classification Sherloc (09022015). Collection method: clinical testing. Allele origin: germline.
Comment: This sequence change replaces histidine, which is basic and polar, with tyrosine, which is neutral and polar, at codon 478 of the FOXN1 protein (p.His478Tyr). This variant is not present in population databases (gnomAD no frequency). This variant has not been reported in the literature in individuals affected with FOXN1-related conditions. Algorithms developed to predict the effect of missense changes on protein structure and function (SIFT, PolyPhen-2, Align-GVGD) all suggest that this variant is likely to be tolerated. Algorithms developed to predict the effect of sequence changes on RNA splicing suggest that this variant may create or strengthen a splice site. In summary, the available evidence is currently insufficient to determine the role of this variant in disease. Therefore, it has been classified as a Variant of Uncertain Significance.